The following is an entry in ClinVar:

ClinVar aggregate classification (germline): Pathogenic (1 of 4 stars; one submission).

Submission:

GeneDx
Classification: Pathogenic. Last evaluated: 2016-10-25. Review status: criteria provided, single submitter. Criteria: GeneDx Variant Classification (06012015). Collection method: clinical testing. Allele origin: germline. Affected: yes.
Comment: This insertion of one nucleotide in APC is denoted c.4059_4060insG at the cDNA level and p.Phe1354ValfsX21 (F1354VfsX21) at the protein level. The normal sequence, with the base that is inserted in braces, is TGAA[G]TTTTC. The insertion causes a frameshift which changes a Phenylalanine to a Valine at codon 1354, and creates a premature stop codon at position 21 of the new reading frame. Even though nonsense-mediated decay is not expected to occur due to the position of the variant, it is significant since the last 1490 amino acids are no longer translated correctly and are replaced by 20 incorrect amino acids. Although this variant has not, to our knowledge, been reported in the literature, it is predicted to cause loss of normal protein function through protein truncation. We consider this variant to be pathogenic.

NM_000038.6(APC):c.4059_4060insG (p.Phe1354fs)

Gene: APC (APC regulator of WNT signaling pathway; plus strand). Cytogenetic location: 5q22.2.
Variant type: Insertion.
Coding change: c.4059_4060insG on transcript NM_000038.6 (MANE Select); coding-DNA positions 4059 to 4060, G inserted.
Protein change: p.Phe1354fs; shifts the reading frame from phenylalanine 1354.
Molecular consequence: frameshift variant.
Genome position: GRCh38 VCF-style: chr5-112839653-A-AG. GRCh37 (hg19) VCF-style: chr5-112175350-A-AG.
Other names: c.4059_4060insG, p.Phe1354fs (NM_001127510.3, NM_001354895.2); c.4005_4006insG, p.Phe1336fs (NM_001127511.3); c.4113_4114insG, p.Phe1372fs (NM_001354896.2); c.4089_4090insG, p.Phe1364fs (NM_001354897.2); c.3984_3985insG, p.Phe1329fs (NM_001354898.2); c.3975_3976insG, p.Phe1326fs (NM_001354899.2); c.3936_3937insG, p.Phe1313fs (NM_001354900.2); c.3882_3883insG, p.Phe1295fs (NM_001354901.2); and 5 more; short protein forms F1194fs, F1263fs, F1313fs, F1071fs, F1364fs, F1295fs, F1336fs, F1354fs.
Identifiers: ClinVar variation 422564 (VCV000422564.2), dbSNP rs1064795861, ClinGen allele CA16618085.